The following is an entry in ClinVar:

ClinVar aggregate classification (germline): Likely pathogenic (1 of 4 stars; one submission).

Conditions:
Dilated cardiomyopathy 1G (CMD1G). Identifiers: Orphanet 154, MedGen C1858763, MONDO:0011400, OMIM 604145.
Autosomal recessive limb-girdle muscular dystrophy type 2J (LGMDR10). Also called: Limb-girdle muscular dystrophy, type 2J; MUSCULAR DYSTROPHY, LIMB-GIRDLE, AUTOSOMAL RECESSIVE 10. Identifiers: Orphanet 140922, MedGen C1837342, MONDO:0012127, OMIM 608807.

Submission:

Labcorp Genetics (formerly Invitae), Labcorp
Classification: Likely pathogenic for Dilated cardiomyopathy 1G; Autosomal recessive limb-girdle muscular dystrophy type 2J. Last evaluated: 2025-03-30. Review status: criteria provided, single submitter. Criteria: Invitae Variant Classification Sherloc (09022015). Collection method: clinical testing. Allele origin: germline.
Comment: This sequence change affects a donor splice site in intron 21 of the TTN gene. It is expected to disrupt RNA splicing and likely results in a truncated or disrupted TTN protein. This variant is not present in population databases (gnomAD no frequency). This variant has not been observed in the literature in individuals with autosomal recessive TTN-related conditions. This variant has been reported in individual(s) with dilated cardiomyopathy (PMID: 35653365); however, the role of the variant in this condition is currently unclear. Algorithms developed to predict the effect of sequence changes on RNA splicing suggest that this variant may disrupt the consensus splice site. This variant is located in the Z band of TTN (PMID: 25589632). Truncating variants in this region have been reported in individuals affected with autosomal recessive centronuclear myopathy (PMID: 33449170, internal data). Truncating variants in this region have also been identified in individuals affected with autosomal dominant dilated cardiomyopathy and/or cardio-related conditions (PMID: 27869827, 32964742, internal data). In summary, the currently available evidence indicates that the variant is pathogenic, but additional data are needed to prove that conclusively. Therefore, this variant has been classified as Likely Pathogenic.

Literature cited by the submitters: PubMed 35653365; PubMed 25589632; PubMed 33449170; PubMed 27869827; PubMed 32964742.

NM_001267550.2(TTN):c.3523+1G>C

Gene: TTN (titin; minus strand). Cytogenetic location: 2q31.2.
Variant type: single nucleotide variant.
Coding change: c.3523+1G>C on transcript NM_001267550.2 (MANE Select); the canonical splice donor site of the intron after coding-DNA position 3523, G replaced by C.
Molecular consequence: splice donor variant.
Genome position (GRCh38, 1-based): chr2:178,781,120, C>G on the plus strand (G>C on the coding strand, the complement: TTN is on the minus strand). VCF-style: chr2-178781120-C-G. GRCh37 (hg19) VCF-style: chr2-179645847-C-G.
Other names: c.3385+1G>C (NM_003319.4, NM_133437.4, NM_133432.3); c.3523+1G>C (NM_133378.4, NM_001256850.1, NM_133379.5).
Identifiers: ClinVar variation 4783862 (VCV004783862.1).
Genomic context (GRCh38, chr2:178,781,120, plus strand): 5'-CACTGCTATCTCCTTGTATTTCAGTTCTTATCATGCACATAGAAACTGGAGTTGCACTTA[C>G]CTTCTTCAAGCAAGGAAGCAGATGCAGAAGTTTCTCCATGCTTATTGCGAACAACAATAG-3'